The following is an entry in ClinVar:

NM_000363.5(TNNI3):c.541A>G (p.Thr181Ala)

Gene: TNNI3 (troponin I3, cardiac type; minus strand). Cytogenetic location: 19q13.42.
Variant type: single nucleotide variant.
Coding change: c.541A>G on transcript NM_000363.5 (MANE Select); coding-DNA position 541, A replaced by G.
Protein change: p.Thr181Ala; replaces threonine 181 with alanine.
Molecular consequence: missense variant.
Genome position (GRCh38, 1-based): chr19:55,154,038, T>C on the plus strand (A>G on the coding strand, the complement: TNNI3 is on the minus strand). VCF-style: chr19-55154038-T-C. GRCh37 (hg19) VCF-style: chr19-55665406-T-C.
Other names: short protein forms T181A.
Identifiers: ClinVar variation 2712046 (VCV002712046.5), dbSNP rs765207816, ClinGen allele CA051716.
Genomic context (GRCh38, chr19:55,154,038, plus strand): 5'-CCCACAGCCCTTCCCCTCAGCATCCTCTTTCCTGGCCTTAGCCCACACTCACCTTCTCGG[T>C]GTCCTCCTTCTTCACCTGCTTGAGGTGGGCCCGCAGGTCCAGGGACTCCTTAGCCCGGGC-3'
Protein context (NP_000354.4, residues 171-191): AHLKQVKKED[Thr181Ala]EKENREVGDW

ClinVar aggregate classification (germline): Uncertain significance. Review status: criteria provided, multiple submitters, no conflicts (2 of 4 stars). 2 submissions from 2 submitters: Uncertain significance (2). Last evaluated 2026-01-06.

Conditions:
Hypertrophic cardiomyopathy. Also called: HYPERTROPHIC MYOCARDIOPATHY. Identifiers: Orphanet 217569, MedGen C0007194, MeSH D002312, MONDO:0005045, HP:0001639.
Hypertrophic cardiomyopathy 7. Also called: TNNI3-Related Familial Hypertrophic Cardiomyopathy; Familial hypertrophic cardiomyopathy 7; CARDIOMYOPATHY, FAMILIAL HYPERTROPHIC, 7, MODIFIER OF. Identifiers: MedGen C1860752, MONDO:0013369, OMIM 613690.

Allele frequency attached by ClinVar (database versions not stated): gnomAD exomes below 0.00001; ExAC 0.00001.
gnomAD v4.1: 2 of 1,611,950 alleles (0.00012%); highest among the groups gnomAD compares: East Asian, 0.0045%; no homozygotes.

Submissions (2):

3billion
Classification: Uncertain significance for Hypertrophic cardiomyopathy 7. Last evaluated: 2026-01-06. Review status: criteria provided, single submitter. Criteria: ACMG Guidelines, 2015. Collection method: clinical testing. Allele origin: germline. Affected: yes.
Comment: The variant is observed at an extremely low frequency in the gnomAD v4.1.0 dataset (total allele frequency: <0.001%). Predicted Consequence/Location: Missense variant In silico tool predictions suggest damaging effect of the variant on gene or gene product [3Cnet: 0.90 (> 0.75, sensitivity 0.96 and precision 0.92)]. The variant has been reported as of uncertain significance (ClinVar ID: VCV002712046). Therefore, this variant is classified as VUS according to the recommendation of ACMG/AMP guideline.

Labcorp Genetics (formerly Invitae), Labcorp
Classification: Uncertain significance for Hypertrophic cardiomyopathy. Last evaluated: 2023-11-09. Review status: criteria provided, single submitter. Criteria: Invitae Variant Classification Sherloc (09022015). Collection method: clinical testing. Allele origin: germline.
Comment: This sequence change replaces threonine, which is neutral and polar, with alanine, which is neutral and non-polar, at codon 181 of the TNNI3 protein (p.Thr181Ala). This variant is present in population databases (rs765207816, gnomAD 0.01%). This variant has not been reported in the literature in individuals affected with TNNI3-related conditions. An algorithm developed to predict the effect of missense changes on protein structure and function (PolyPhen-2) suggests that this variant is likely to be tolerated. In summary, the available evidence is currently insufficient to determine the role of this variant in disease. Therefore, it has been classified as a Variant of Uncertain Significance.